The following is an entry in ClinVar:

ClinVar aggregate classification (germline): Uncertain significance (1 of 4 stars; one submission).

Conditions:
Hereditary cancer-predisposing syndrome. Also called: Hereditary neoplastic syndrome; Neoplastic Syndromes, Hereditary; Tumor predisposition; Hereditary Cancer Syndrome. Identifiers: Orphanet 140162, MedGen C0027672, MeSH D009386, MONDO:0015356.

Submission:

Ambry Genetics
Classification: Uncertain significance for Hereditary cancer-predisposing syndrome. Last evaluated: 2022-05-16. Review status: criteria provided, single submitter. Criteria: Ambry Variant Classification Scheme 2023. Collection method: clinical testing. Allele origin: germline.
Comment: The p.C2323S variant (also known as c.6968G>C), located in coding exon 46 of the ATM gene, results from a G to C substitution at nucleotide position 6968. The cysteine at codon 2323 is replaced by serine, an amino acid with dissimilar properties. This amino acid position is conserved. In addition, this alteration is predicted to be tolerated by in silico analysis. Since supporting evidence is limited at this time, the clinical significance of this alteration remains unclear.

NM_000051.4(ATM):c.6968G>C (p.Cys2323Ser)

Genes: ATM (ATM serine/threonine kinase; plus strand), C11orf65 (chromosome 11 open reading frame 65; minus strand). Cytogenetic location: 11q22.3.
Variant type: single nucleotide variant.
Coding change: c.6968G>C on transcript NM_000051.4 (MANE Select); coding-DNA position 6968, G replaced by C.
Protein change: p.Cys2323Ser; replaces cysteine 2323 with serine.
Molecular consequence: missense variant. On other transcripts: intron variant (2).
Genome position (GRCh38, 1-based): chr11:108,326,218, G>C. VCF-style: chr11-108326218-G-C. GRCh37 (hg19) VCF-style: chr11-108196945-G-C.
Other names: c.6968G>C, p.Cys2323Ser (NM_001351834.2); c.641-17147C>G (NM_001330368.2); c.*38+9002C>G (NM_001351110.2); short protein forms C2323S.
Identifiers: ClinVar variation 1756348 (VCV001756348.2), dbSNP rs876660924, ClinGen allele CA382557430.
Genomic context (GRCh38, chr11:108,326,218, plus strand): 5'-AGGAGCAGAGTCTTGCCCTGAGTATTCTCAAGCAAATGATCAAGAAGTTGGATGCCAGCT[G>C]TGCAGCGGTTTGTTTTTTTTATTGGCTGGATTAGTGTTTTACTGTTATTTAAAAAAACAC-3'
Protein context (NP_000042.3, residues 2313-2333): KQMIKKLDAS[Cys2323Ser]AANNPSLKLT